The following is an entry in ClinVar:

NM_020822.3(KCNT1):c.1606A>C (p.Thr536Pro)

Gene: KCNT1 (potassium sodium-activated channel subfamily T member 1; plus strand). Cytogenetic location: 9q34.3.
Variant type: single nucleotide variant.
Coding change: c.1606A>C on transcript NM_020822.3 (MANE Select); coding-DNA position 1606, A replaced by C.
Protein change: p.Thr536Pro; replaces threonine 536 with proline.
Molecular consequence: missense variant.
Genome position (GRCh38, 1-based): chr9:135,770,042, A>C. VCF-style: chr9-135770042-A-C. GRCh37 (hg19) VCF-style: chr9-138661888-A-C.
Other names: c.1471A>C, p.Thr491Pro (NM_001272003.2); short protein forms T491P, T536P.
Identifiers: ClinVar variation 3371067 (VCV003371067.1).

ClinVar aggregate classification (germline): Uncertain significance (1 of 4 stars; one submission).

Submission:

GeneDx
Classification: Uncertain significance. Last evaluated: 2024-03-20. Review status: criteria provided, single submitter. Criteria: GeneDx Variant Classification Process June 2021. Collection method: clinical testing. Allele origin: germline. Affected: yes.
Comment: Not observed at significant frequency in large population cohorts (gnomAD); In silico analysis supports that this missense variant has a deleterious effect on protein structure/function; Has not been previously published as pathogenic or benign to our knowledge